The following is an entry in ClinVar:

ClinVar aggregate classification (germline): Uncertain significance (1 of 4 stars; one submission).

Submission:

Labcorp Genetics (formerly Invitae), Labcorp
Classification: Uncertain significance. Last evaluated: 2022-06-21. Review status: criteria provided, single submitter. Criteria: Invitae Variant Classification Sherloc (09022015). Collection method: clinical testing. Allele origin: germline.
Comment: In summary, the available evidence is currently insufficient to determine the role of this variant in disease. Therefore, it has been classified as a Variant of Uncertain Significance. This variant has not been reported in the literature in individuals affected with COQ6-related conditions. This variant results in a copy number gain of the genomic region encompassing exon(s) 1 of the COQ6 gene. This region includes the initiator codon of the gene. This copy number gain extends beyond the assayed region for this gene and therefore may encompass additional genes. As the precise location of this event is unknown, it may be in tandem or it may be located elsewhere in the genome.

NC_000014.8:g.(?_74417036)_(74417218_?)dup

Genes: COQ6 (coenzyme Q6, monooxygenase; plus strand), FAM161B (FAM161 centrosomal protein B; minus strand). Cytogenetic location: 14q24.3.
Variant type: Duplication.
Identifiers: ClinVar variation 2427583 (VCV002427583.2).